The following is an entry in ClinVar:

ClinVar aggregate classification (germline): Benign (1 of 4 stars; one submission).

Conditions:
Hirschsprung disease, susceptibility to, 3. Identifiers: Orphanet 388, MedGen C3150974, MONDO:0013383, OMIM 613711.

Allele frequency attached by ClinVar (database versions not stated): 1000 Genomes Project 0.00200; 1000 Genomes Project 30x 0.00250; gnomAD exomes 0.00465; gnomAD 0.00496 and 0.00502; TOPMed 0.00529.
gnomAD v4.1: 924 of 187,766 alleles (0.49%); highest among the groups gnomAD compares: Non-Finnish European, 0.79%; 8 homozygotes.

Submission:

Illumina Laboratory Services, Illumina
Classification: Benign for Hirschsprung disease, susceptibility to, 3. Last evaluated: 2017-04-27. Review status: criteria provided, single submitter. Criteria: ICSL Variant Classification Criteria 13 December 2019. Collection method: clinical testing. Allele origin: germline.
Comment: This variant was observed as part of a predisposition screen in an ostensibly healthy population. A literature search was performed for the gene, cDNA change, and amino acid change (where applicable). No publications were found based on this search. Allele frequency data from public databases was too high to be consistent with this variant causing disease. Therefore, this variant is classified as benign.

NM_000514.4(GDNF):c.*450C>T

Gene: GDNF (glial cell derived neurotrophic factor; minus strand). Cytogenetic location: 5p13.2.
Variant type: single nucleotide variant.
Coding change: c.*450C>T on transcript NM_000514.4 (MANE Select); 450 bases downstream of the stop codon, C replaced by T.
Molecular consequence: 3 prime UTR variant.
Genome position (GRCh38, 1-based): chr5:37,815,201, G>A on the plus strand (C>T on the coding strand, the complement: GDNF is on the minus strand). VCF-style: chr5-37815201-G-A. GRCh37 (hg19) VCF-style: chr5-37815303-G-A.
Other names: c.*450C>T (NM_001190468.1, NM_001190469.1, NM_001278098.1 and 1 more transcripts).
Identifiers: ClinVar variation 903709 (VCV000903709.4), dbSNP rs141395105, ClinGen allele CA117493006.